The following is an entry in ClinVar:

ClinVar aggregate classification (germline): Uncertain significance (0 of 4 stars; one submission).

Conditions:
HTR2C-related disorder. Also called: HTR2C-related condition.

Submission:

PreventionGenetics, part of Exact Sciences
Classification: Uncertain significance for HTR2C-related condition. Last evaluated: 2024-02-28. Review status: no assertion criteria provided. Collection method: clinical testing. Allele origin: germline.
Comment: The HTR2C c.108C>A variant is predicted to result in the amino acid substitution p.Asp36Glu. To our knowledge, this variant has not been reported in the literature or in a large population database, indicating this variant is rare. At this time, the clinical significance of this variant is uncertain due to the absence of conclusive functional and genetic evidence.

NM_000868.4(HTR2C):c.108C>A (p.Asp36Glu)

Gene: HTR2C (5-hydroxytryptamine receptor 2C; plus strand). Cytogenetic location: Xq23.
Variant type: single nucleotide variant.
Coding change: c.108C>A on transcript NM_000868.4 (MANE Select); coding-DNA position 108, C replaced by A.
Protein change: p.Asp36Glu; replaces aspartic acid 36 with glutamic acid.
Molecular consequence: missense variant.
Genome position (GRCh38, 1-based): chrX:114,731,366, C>A. VCF-style: chrX-114731366-C-A. GRCh37 (hg19) VCF-style: chrX-113965775-C-A.
Other names: c.108C>A, p.Asp36Glu (NM_001256760.3, NM_001256761.3); short protein forms D36E.
Identifiers: ClinVar variation 3348933 (VCV003348933.1).
Genomic context (GRCh38, chrX:114,731,366, plus strand): 5'-TGGCCTATTGGTTTGGCAATCTGATATTTCTGTGAGCCCAGTAGCAGCTATAGTAACTGA[C>A]ATTTTCAATACCTCCGATGGTGGACGCTTCAAATTCCCAGACGGGGTACAAAACTGGCCA-3'
Protein context (NP_000859.2, residues 26-46): SVSPVAAIVT[Asp36Glu]IFNTSDGGRF